The following is an entry in ClinVar:

ClinVar aggregate classification (germline): Conflicting classifications of pathogenicity. Review status: criteria provided, conflicting classifications (1 of 4 stars). 4 submissions from 4 submitters: Pathogenic (1); Likely pathogenic (2); Uncertain significance (1). Last evaluated 2025-07-10.

Conditions:
Congenital myotonia, autosomal recessive form. Also called: BECKER DISEASE; Becker Generalized Myotonia; myotonia congenita, autosomal recessive. Identifiers: Orphanet 614, MedGen C0751360, MONDO:0009715, OMIM 255700.
Congenital myotonia, autosomal dominant form (THD). Also called: THOMSEN DISEASE; Myotonia congenita autosomal dominant. Identifiers: Orphanet 614, MedGen C2936781, MONDO:0008055, OMIM 160800.

Allele frequency attached by ClinVar (database versions not stated): gnomAD exomes below 0.00001.
gnomAD v4.1: 2 of 1,614,132 alleles (0.00012%); highest among the groups gnomAD compares: African/African-American, 0.0013%; no homozygotes.

Submissions (4):

Women's Health and Genetics/Laboratory Corporation of America, LabCorp
Classification: Likely pathogenic for Congenital myotonia, autosomal recessive form. Last evaluated: 2025-07-10. Review status: criteria provided, single submitter. Criteria: LabCorp Variant Classification Summary - May 2015. Collection method: clinical testing. Allele origin: germline.
Comment: Variant summary: CLCN1 c.1697C>T (p.Ala566Val) results in a non-conservative amino acid change in the encoded protein sequence. Algorithms developed to predict the effect of missense changes on protein structure and function all suggest that this variant is likely to be disruptive. The variant was absent in 251028 control chromosomes. c.1697C>T has been observed in individual(s) affected with Myotonia congenita (Skalova_2013, Radziwonik-Fraczyk _2024, internal data). Other variant(s) that disrupt this residue have been observed in individuals with CLCN1-related conditions (PMID: 17932099), which suggests that this may be a clinically significant amino acid residue. These data indicate that the variant may be associated with disease. The following publications have been ascertained in the context of this evaluation (PMID: 24349310, 38758368). ClinVar contains an entry for this variant (Variation ID: 1299097). Based on the evidence outlined above, the variant was classified as likely pathogenic.

Labcorp Genetics (formerly Invitae), Labcorp
Classification: Pathogenic for Congenital myotonia, autosomal recessive form; Congenital myotonia, autosomal dominant form. Last evaluated: 2024-01-17. Review status: criteria provided, single submitter. Criteria: Invitae Variant Classification Sherloc (09022015). Collection method: clinical testing. Allele origin: germline.
Comment: This sequence change replaces alanine, which is neutral and non-polar, with valine, which is neutral and non-polar, at codon 566 of the CLCN1 protein (p.Ala566Val). This variant is not present in population databases (gnomAD no frequency). This missense change has been observed in individual(s) with autosomal recessive myotonia congenita (PMID: 24349310; Invitae). In at least one individual the data is consistent with being in trans (on the opposite chromosome) from a pathogenic variant. ClinVar contains an entry for this variant (Variation ID: 1299097). Advanced modeling of protein sequence and biophysical properties (such as structural, functional, and spatial information, amino acid conservation, physicochemical variation, residue mobility, and thermodynamic stability) performed at Invitae indicates that this missense variant is expected to disrupt CLCN1 protein function with a positive predictive value of 95%. This variant disrupts the p.Ala566 amino acid residue in CLCN1. Other variant(s) that disrupt this residue have been observed in individuals with CLCN1-related conditions (PMID: 17932099), which suggests that this may be a clinically significant amino acid residue. For these reasons, this variant has been classified as Pathogenic.

Athena Diagnostics
Classification: Uncertain significance. Last evaluated: 2023-03-28. Review status: criteria provided, single submitter. Criteria: Athena Diagnostics Criteria. Collection method: clinical testing. Allele origin: unknown.
Comment: Available data are insufficient to determine the clinical significance of the variant at this time. This variant has been identified in at least one individual with clinical features associated with this gene. This variant has not been reported in large, multi-ethnic general populations. There was not enough information identified regarding segregation with disease in families to be useful in characterizing this variant. Computational tools predict that this variant is damaging.

CeGaT Center for Human Genetics Tuebingen
Classification: Likely pathogenic. Last evaluated: 2021-09-01. Review status: criteria provided, single submitter. Criteria: CeGaT Center For Human Genetics Tuebingen Variant Classification Criteria Version 2. Collection method: clinical testing. Allele origin: germline. Affected: yes. Observed: 1 variant allele.

Literature cited by the submitters: PubMed 24349310 (cited by 3 submitters); PubMed 38758368 (cited by Women's Health and Genetics/Laboratory Corporation of America, LabCorp); PubMed 17932099 (cited by Labcorp Genetics (formerly Invitae), Labcorp).

NM_000083.3(CLCN1):c.1697C>T (p.Ala566Val)

Gene: CLCN1 (chloride voltage-gated channel 1; plus strand). Cytogenetic location: 7q34.
Variant type: single nucleotide variant.
Coding change: c.1697C>T on transcript NM_000083.3 (MANE Select); coding-DNA position 1697, C replaced by T.
Protein change: p.Ala566Val; replaces alanine 566 with valine.
Molecular consequence: missense variant. On other transcripts: non-coding transcript variant (1).
Genome position (GRCh38, 1-based): chr7:143,342,043, C>T. VCF-style: chr7-143342043-C-T. GRCh37 (hg19) VCF-style: chr7-143039136-C-T.
Other names: c.1697C>T (NM_000083.2); short protein forms A566V.
Identifiers: ClinVar variation 1299097 (VCV001299097.43), dbSNP rs2116373070, ClinGen allele CA369646582.